The following is an entry in ClinVar:

ClinVar aggregate classification (germline): Conflicting classifications of pathogenicity. Review status: criteria provided, conflicting classifications (1 of 4 stars). 2 submissions from 2 submitters: Uncertain significance (1); Likely benign (1). Last evaluated 2026-01-28.

Conditions:
Lowe syndrome (OCRL). Also called: LOWE OCULOCEREBRORENAL SYNDROME; PHOSPHATIDYLINOSITOL 4,5-BISPHOSPHATE 5-PHOSPHATASE DEFICIENCY; Oculocerebrorenal Syndrome. Identifiers: Orphanet 534, MedGen C0028860, MONDO:0010645, OMIM 309000.
Nephrolithiasis/nephrocalcinosis. Identifiers: MedGen CN580796.

Allele frequency attached by ClinVar (database versions not stated): ExAC 0.00001; gnomAD exomes 0.00002; gnomAD 0.00003; TOPMed 0.00003.
gnomAD v4.1: 25 of 1,210,147 alleles (0.0021%); highest among the groups gnomAD compares: East Asian, 0.003%; no homozygotes.

Submissions (2):

Labcorp Genetics (formerly Invitae), Labcorp
Classification: Likely benign for Lowe syndrome. Last evaluated: 2026-01-28. Review status: criteria provided, single submitter. Criteria: Invitae Variant Classification Sherloc (09022015). Collection method: clinical testing. Allele origin: germline.

Ambry Genetics
Classification: Uncertain significance for Nephrolithiasis/nephrocalcinosis. Last evaluated: 2025-09-27. Review status: criteria provided, single submitter. Criteria: Ambry Variant Classification Scheme 2023. Collection method: clinical testing. Allele origin: germline.
Comment: The c.1739G>A (p.R580Q) alteration is located in exon 17 (coding exon 17) of the OCRL gene. This alteration results from a G to A substitution at nucleotide position 1739, causing the arginine (R) at amino acid position 580 to be replaced by a glutamine (Q). Based on data from gnomAD, the A allele has an overall frequency of 0.002% (4/205388) total alleles studied. The highest observed frequency was 0.004% (4/92749) of European (non-Finnish) alleles. Based on insufficient or conflicting evidence, the clinical significance of this alteration remains unclear.

NM_000276.4(OCRL):c.1739G>A (p.Arg580Gln)

Gene: OCRL (OCRL inositol polyphosphate-5-phosphatase; plus strand). Cytogenetic location: Xq26.1.
Variant type: single nucleotide variant.
Coding change: c.1739G>A on transcript NM_000276.4 (MANE Select); coding-DNA position 1739, G replaced by A.
Protein change: p.Arg580Gln; replaces arginine 580 with glutamine.
Molecular consequence: missense variant.
Genome position (GRCh38, 1-based): chrX:129,575,922, G>A. VCF-style: chrX-129575922-G-A. GRCh37 (hg19) VCF-style: chrX-128709899-G-A.
Other names: c.1742G>A, p.Arg581Gln (NM_001318784.2); c.1739G>A, p.Arg580Gln (NM_001587.4); c.1739G>A (NM_000276.3); short protein forms R580Q, R581Q.
Identifiers: ClinVar variation 2753322 (VCV002753322.4), dbSNP rs748420513, ClinGen allele CA10512245.